The following is an entry in ClinVar:

ClinVar aggregate classification (germline): Uncertain significance (1 of 4 stars; one submission).

Conditions:
Progressive familial heart block type IB (PFHB1B). Identifiers: Orphanet 871, MedGen C1970298, MONDO:0011474, OMIM 604559.

Allele frequency attached by ClinVar (database versions not stated): gnomAD exomes below 0.00001.

Submission:

Labcorp Genetics (formerly Invitae), Labcorp
Classification: Uncertain significance for Progressive familial heart block type IB. Last evaluated: 2023-12-13. Review status: criteria provided, single submitter. Criteria: Invitae Variant Classification Sherloc (09022015). Collection method: clinical testing. Allele origin: germline.
Comment: This sequence change replaces glycine, which is neutral and non-polar, with alanine, which is neutral and non-polar, at codon 760 of the TRPM4 protein (p.Gly760Ala). This variant is not present in population databases (gnomAD no frequency). This variant has not been reported in the literature in individuals affected with TRPM4-related conditions. An algorithm developed to predict the effect of missense changes on protein structure and function (PolyPhen-2) suggests that this variant is likely to be tolerated. In summary, the available evidence is currently insufficient to determine the role of this variant in disease. Therefore, it has been classified as a Variant of Uncertain Significance.

NM_017636.4(TRPM4):c.2279G>C (p.Gly760Ala)

Gene: TRPM4 (transient receptor potential cation channel subfamily M member 4; plus strand). Cytogenetic location: 19q13.33.
Variant type: single nucleotide variant.
Coding change: c.2279G>C on transcript NM_017636.4 (MANE Select); coding-DNA position 2279, G replaced by C.
Protein change: p.Gly760Ala; replaces glycine 760 with alanine.
Molecular consequence: missense variant. On other transcripts: intron variant (1).
Genome position (GRCh38, 1-based): chr19:49,196,508, G>C. VCF-style: chr19-49196508-G-C. GRCh37 (hg19) VCF-style: chr19-49699765-G-C.
Other names: c.1934G>C, p.Gly645Ala (NM_001321281.2); c.671G>C, p.Gly224Ala (NM_001321282.2); c.1757G>C, p.Gly586Ala (NM_001321283.2); c.1217G>C, p.Gly406Ala (NM_001321285.2); c.2211-3792G>C (NM_001195227.2); short protein forms G586A, G760A, G406A, G645A, G224A.
Identifiers: ClinVar variation 2876856 (VCV002876856.3), dbSNP rs2514177332, ClinGen allele CA406808682.